The following is an entry in ClinVar:

NM_001386393.1(PANK2):c.1267dup (p.Leu423fs)

Gene: PANK2 (pantothenate kinase 2; plus strand). Cytogenetic location: 20p13.
Variant type: Duplication.
Coding change: c.1267dup on transcript NM_001386393.1 (MANE Select); coding-DNA position 1267, one base duplicated (C; older notation c.1267dupC).
Protein change: p.Leu423fs; shifts the reading frame from leucine 423.
Molecular consequence: frameshift variant. On other transcripts: non-coding transcript variant (1).
Genome position (GRCh38, 1-based): chr20:3,918,731, C duplicated. VCF-style (leftmost placement, unchanged base first): chr20-3918730-G-GC. GRCh37 (hg19) VCF-style: chr20-3899377-G-GC.
Other names: c.724dup, p.Leu242fs (NM_001324191.2, NM_024960.6, NM_153640.4); c.289dup, p.Leu97fs (NM_001324193.2); c.1597dup, p.Leu533fs (NM_153638.4); short protein forms L242fs, L423fs, L533fs, L97fs.
Identifiers: ClinVar variation 3242006 (VCV003242006.1), dbSNP rs2515528726.

ClinVar aggregate classification (germline): Likely pathogenic (1 of 4 stars; one submission).

Conditions:
Pigmentary pallidal degeneration (NBIA1). Also called: Pantothenate Kinase-Associated Neurodegeneration; Neuroaxonal dystrophy, late infantile; Hallervorden-Spatz disease; PKAN NEUROAXONAL DYSTROPHY, JUVENILE-ONSET; HARP SYNDROME; Neurodegeneration with brain iron accumulation 1. Identifiers: Orphanet 157850, MedGen C0018523, MONDO:0009319, OMIM 234200.

Submission:

Neuberg Centre For Genomic Medicine, NCGM
Classification: Likely pathogenic for Pigmentary pallidal degeneration. Review status: criteria provided, single submitter. Criteria: ACMG Guidelines, 2015. Collection method: clinical testing. Allele origin: germline. Inheritance: Autosomal recessive inheritance. Affected: yes.
Comment: The frameshift variant c.1267dup(p.Leu423ProfsTer33) in the PANK2 gene has not been reported previously as a pathogenic variant nor as a benign variant, to our knowledge. The variant is absent in gnomAD Exomes. This variant causes a frameshift starting with codon Leucine 423, changes this amino acid to Proline residue, and creates a premature Stop codon at position 33 of the new reading frame. This variant is predicted to cause a loss of normal protein function through protein truncation. Loss of function variants has been previously reported to be disease-causing (Ley Martos et al., 2020). For these reasons, this variant has been classified as Likely Pathogenic.